The following is an entry in ClinVar:

NM_005334.3(HCFC1):c.5944C>T (p.Arg1982Cys)

Gene: HCFC1 (host cell factor C1; minus strand). Cytogenetic location: Xq28.
Variant type: single nucleotide variant.
Coding change: c.5944C>T on transcript NM_005334.3 (MANE Select); coding-DNA position 5944, C replaced by T.
Protein change: p.Arg1982Cys; replaces arginine 1982 with cysteine.
Molecular consequence: missense variant.
Genome position (GRCh38, 1-based): chrX:153,950,303, G>A on the plus strand (C>T on the coding strand, the complement: HCFC1 is on the minus strand). VCF-style: chrX-153950303-G-A. GRCh37 (hg19) VCF-style: chrX-153215754-G-A.
Other names: c.6079C>T, p.Arg2027Cys (NM_001410705.1); short protein forms R1982C, R2027C.
Identifiers: ClinVar variation 1704944 (VCV001704944.3), dbSNP rs2521442026, ClinGen allele CA415102367.

ClinVar aggregate classification (germline): Uncertain significance (1 of 4 stars; one submission).

Submission:

GeneDx
Classification: Uncertain significance. Last evaluated: 2026-01-06. Review status: criteria provided, single submitter. Criteria: GeneDx Variant Classification Process June 2021. Collection method: clinical testing. Allele origin: germline. Affected: yes.
Comment: Not observed at significant frequency in large population cohorts (gnomAD); In silico analysis supports that this missense variant has a deleterious effect on protein structure/function; Has not been previously published as pathogenic or benign to our knowledge